The following is an entry in ClinVar:

NM_000208.4(INSR):c.2448G>A (p.Thr816=)

Gene: INSR (insulin receptor; minus strand). Cytogenetic location: 19p13.2.
Variant type: single nucleotide variant.
Coding change: c.2448G>A on transcript NM_000208.4 (MANE Select); coding-DNA position 2448, G replaced by A.
Protein change: p.Thr816=; no amino-acid change (threonine 816 retained).
Molecular consequence: synonymous variant.
Genome position (GRCh38, 1-based): chr19:7,142,910, C>T on the plus strand (G>A on the coding strand, the complement: INSR is on the minus strand). VCF-style: chr19-7142910-C-T. GRCh37 (hg19) VCF-style: chr19-7142921-C-T.
Other names: c.2412G>A, p.Thr804= (NM_001079817.3).
Identifiers: ClinVar variation 330460 (VCV000330460.14), dbSNP rs2229434, ClinGen allele CA9135541.

ClinVar aggregate classification (germline): Benign. Review status: criteria provided, multiple submitters, no conflicts (2 of 4 stars). 5 submissions from 3 submitters: Benign (5). Last evaluated 2026-01-19.

Conditions:
Insulin-resistant diabetes mellitus AND acanthosis nigricans. Also called: type A insulin resistance; DIABETES MELLITUS, INSULIN-RESISTANT, WITH ACANTHOSIS NIGRICANS, TYPE A; INSULIN RECEPTOR, DEFECT IN, WITH INSULIN-RESISTANT DIABETES MELLITUS AND ACANTHOSIS NIGRICANS; IRAN, TYPE A; Insulin-resistance syndrome type A. Identifiers: Orphanet 2297, MedGen C0342278, MONDO:0012520, OMIM 610549.
Leprechaunism syndrome. Also called: LEPRECHAUNISM; Donohue syndrome. Identifiers: Orphanet 508, MedGen C0265344, MONDO:0009517, OMIM 246200.
Rabson-Mendenhall syndrome. Also called: MENDENHALL SYNDROME; Pineal Hyperplasia, Insulin-Resistant Diabetes Mellitus, and Somatic Abnormalities; Pineal hyperplasia AND diabetes mellitus syndrome. Identifiers: Orphanet 769, MedGen C0271695, MONDO:0009874, OMIM 262190.

Allele frequency attached by ClinVar (database versions not stated): gnomAD exomes 0.00823 and 0.01118; ExAC 0.01168; gnomAD 0.01807 and 0.01850; ESP Exome Variant Server 0.01938; TOPMed 0.01963; 1000 Genomes Project 30x 0.01999; 1000 Genomes Project 0.02077.
gnomAD v4.1: 14,914 of 1,614,044 alleles (0.92%); highest among the groups gnomAD compares: East Asian, 4.2%; 156 homozygotes.

Submissions (19):

Labcorp Genetics (formerly Invitae), Labcorp
Classification: Benign. Last evaluated: 2026-01-19. Review status: criteria provided, single submitter. Criteria: Invitae Variant Classification Sherloc (09022015). Collection method: clinical testing. Allele origin: germline.

Illumina Laboratory Services, Illumina
Classification: Benign for Insulin-resistant diabetes mellitus AND acanthosis nigricans. Last evaluated: 2018-01-12. Review status: criteria provided, single submitter. Criteria: ICSL Variant Classification Criteria 13 December 2019. Collection method: clinical testing. Allele origin: germline.
Comment: This variant was observed in the ICSL laboratory as part of a predisposition screen in an ostensibly healthy population. It had not been previously curated by ICSL or reported in the Human Gene Mutation Database (HGMD: prior to June 1st, 2018), and was therefore a candidate for classification through an automated scoring system. Utilizing variant allele frequency, disease prevalence and penetrance estimates, and inheritance mode, an automated score was calculated to assess if this variant is too frequent to cause the disease. Based on the score and internal cut-off values, a variant classified as benign is not then subjected to further curation. The score for this variant resulted in a classification of benign for this disease.

Illumina Laboratory Services, Illumina
Classification: Benign for Leprechaunism syndrome. Last evaluated: 2018-01-12. Review status: criteria provided, single submitter. Criteria: ICSL Variant Classification Criteria 13 December 2019. Collection method: clinical testing. Allele origin: germline.
Comment: the same text as in the submission from Illumina Laboratory Services, Illumina above.

Illumina Laboratory Services, Illumina
Classification: Benign for Rabson-Mendenhall syndrome. Last evaluated: 2018-01-12. Review status: criteria provided, single submitter. Criteria: ICSL Variant Classification Criteria 13 December 2019. Collection method: clinical testing. Allele origin: germline.
Comment: the same text as in the submission from Illumina Laboratory Services, Illumina above.

Breakthrough Genomics
Classification: Benign. Review status: criteria provided, single submitter. Criteria: ACMG Guidelines, 2015. Collection method: not provided. Allele origin: germline. Inheritance: Autosomal recessive inheritance. Affected: yes.

Dr. Peter K. Rogan Lab, Western University
No classification provided (evidence only). Condition: Clear cell carcinoma of kidney. Review status: no classification provided. Collection method: in vitro. Allele origin: not applicable. Functional consequence: retained intron. Not counted in ClinVar's aggregate classification.

Dr. Peter K. Rogan Lab, Western University
No classification provided (evidence only). Condition: Lung cancer. Review status: no classification provided. Collection method: in vitro. Allele origin: not applicable. Functional consequence: retained intron. Not counted in ClinVar's aggregate classification.

Dr. Peter K. Rogan Lab, Western University
No classification provided (evidence only). Condition: Melanoma. Review status: no classification provided. Collection method: in vitro. Allele origin: not applicable. Functional consequence: retained intron. Not counted in ClinVar's aggregate classification.

Dr. Peter K. Rogan Lab, Western University
No classification provided (evidence only). Condition: Colorectal cancer. Review status: no classification provided. Collection method: in vitro. Allele origin: not applicable. Functional consequence: retained intron. Not counted in ClinVar's aggregate classification.

Dr. Peter K. Rogan Lab, Western University
No classification provided (evidence only). Condition: Uterine corpus endometrial carcinoma. Review status: no classification provided. Collection method: in vitro. Allele origin: not applicable. Functional consequence: retained intron. Not counted in ClinVar's aggregate classification.

Dr. Peter K. Rogan Lab, Western University
No classification provided (evidence only). Condition: Uterine corpus endometrial carcinoma. Review status: no classification provided. Collection method: in vitro. Allele origin: not applicable. Functional consequence: retained intron. Not counted in ClinVar's aggregate classification.

Dr. Peter K. Rogan Lab, Western University
No classification provided (evidence only). Condition: Cervical cancer. Review status: no classification provided. Collection method: in vitro. Allele origin: not applicable. Functional consequence: retained intron. Not counted in ClinVar's aggregate classification.

Dr. Peter K. Rogan Lab, Western University
No classification provided (evidence only). Condition: Hepatocellular carcinoma. Review status: no classification provided. Collection method: in vitro. Allele origin: not applicable. Functional consequence: retained intron. Not counted in ClinVar's aggregate classification.

Dr. Peter K. Rogan Lab, Western University
No classification provided (evidence only). Condition: Hepatocellular carcinoma. Review status: no classification provided. Collection method: in vitro. Allele origin: not applicable. Functional consequence: retained intron. Not counted in ClinVar's aggregate classification.

Dr. Peter K. Rogan Lab, Western University
No classification provided (evidence only). Condition: Hepatocellular carcinoma. Review status: no classification provided. Collection method: in vitro. Allele origin: not applicable. Functional consequence: retained intron. Not counted in ClinVar's aggregate classification.

Dr. Peter K. Rogan Lab, Western University
No classification provided (evidence only). Condition: Thymoma. Review status: no classification provided. Collection method: in vitro. Allele origin: not applicable. Functional consequence: retained intron. Not counted in ClinVar's aggregate classification.

Dr. Peter K. Rogan Lab, Western University
No classification provided (evidence only). Condition: Cholangiocarcinoma. Review status: no classification provided. Collection method: in vitro. Allele origin: not applicable. Functional consequence: retained intron. Not counted in ClinVar's aggregate classification.

Dr. Peter K. Rogan Lab, Western University
No classification provided (evidence only). Condition: Cholangiocarcinoma. Review status: no classification provided. Collection method: in vitro. Allele origin: not applicable. Functional consequence: retained intron. Not counted in ClinVar's aggregate classification.

Dr. Peter K. Rogan Lab, Western University
No classification provided (evidence only). Condition: Gastric cancer. Review status: no classification provided. Collection method: in vitro. Allele origin: not applicable. Functional consequence: retained intron. Not counted in ClinVar's aggregate classification.